The following is an entry in ClinVar:

ClinVar aggregate classification (germline): Pathogenic (1 of 4 stars; one submission).

gnomAD v4.1: 1 of 1,609,850 alleles (0.000062%); highest among the groups gnomAD compares: Non-Finnish European, 0.000085%; no homozygotes.

Submission:

Labcorp Genetics (formerly Invitae), Labcorp
Classification: Pathogenic. Last evaluated: 2024-12-10. Review status: criteria provided, single submitter. Criteria: Invitae Variant Classification Sherloc (09022015). Collection method: clinical testing. Allele origin: germline.
Comment: This sequence change affects an acceptor splice site in intron 4 of the HPS3 gene. It is expected to disrupt RNA splicing. Variants that disrupt the donor or acceptor splice site typically lead to a loss of protein function (PMID: 16199547), and loss-of-function variants in HPS3 are known to be pathogenic (PMID: 11590544). This variant is not present in population databases (gnomAD no frequency). Disruption of this splice site has been observed in individual(s) with clinical features of Hermansky-Pudlak syndrome (internal data). In at least one individual the data is consistent with being in trans (on the opposite chromosome) from a pathogenic variant. ClinVar contains an entry for this variant (Variation ID: 2024654). Algorithms developed to predict the effect of sequence changes on RNA splicing suggest that this variant may disrupt the consensus splice site. For these reasons, this variant has been classified as Pathogenic.

Literature cited by the submitters: PubMed 16199547; PubMed 11590544.

NM_032383.5(HPS3):c.971-1G>A

Gene: HPS3 (HPS3 biogenesis of lysosomal organelles complex 2 subunit 1; plus strand). Cytogenetic location: 3q24.
Variant type: single nucleotide variant.
Coding change: c.971-1G>A on transcript NM_032383.5 (MANE Select); the canonical splice acceptor site of the intron before coding-DNA position 971, G replaced by A.
Molecular consequence: splice acceptor variant.
Genome position (GRCh38, 1-based): chr3:149,145,353, G>A. VCF-style: chr3-149145353-G-A. GRCh37 (hg19) VCF-style: chr3-148863140-G-A.
Other names: c.476-1G>A (NM_001308258.2).
Identifiers: ClinVar variation 2024654 (VCV002024654.4), dbSNP rs1722726229, ClinGen allele CA354915295.